The following is an entry in ClinVar:

ClinVar aggregate classification (germline): Uncertain significance (1 of 4 stars; one submission).

Submission:

Labcorp Genetics (formerly Invitae), Labcorp
Classification: Uncertain significance. Last evaluated: 2025-12-12. Review status: criteria provided, single submitter. Criteria: Invitae Variant Classification Sherloc (09022015). Collection method: clinical testing. Allele origin: germline.
Comment: This sequence change replaces methionine, which is neutral and non-polar, with valine, which is neutral and non-polar, at codon 804 of the CSF1R protein (p.Met804Val). This variant is not present in population databases (gnomAD no frequency). This variant has not been reported in the literature in individuals affected with CSF1R-related conditions. Invitae Evidence Modeling of protein sequence and biophysical properties (such as structural, functional, and spatial information, amino acid conservation, physicochemical variation, residue mobility, and thermodynamic stability) indicates that this missense variant is not expected to disrupt CSF1R protein function with a negative predictive value of 95%. In summary, the available evidence is currently insufficient to determine the role of this variant in disease. Therefore, it has been classified as a Variant of Uncertain Significance.

NM_001288705.3(CSF1R):c.2410A>G (p.Met804Val)

Gene: CSF1R (colony stimulating factor 1 receptor; minus strand). Cytogenetic location: 5q32.
Variant type: single nucleotide variant.
Coding change: c.2410A>G on transcript NM_001288705.3 (MANE Select); coding-DNA position 2410, A replaced by G.
Protein change: p.Met804Val; replaces methionine 804 with valine.
Molecular consequence: missense variant. On other transcripts: non-coding transcript variant (2).
Genome position (GRCh38, 1-based): chr5:150,056,251, T>C on the plus strand (A>G on the coding strand, the complement: CSF1R is on the minus strand). VCF-style: chr5-150056251-T-C. GRCh37 (hg19) VCF-style: chr5-149435814-T-C.
Other names: c.2410A>G, p.Met804Val (NM_001349736.2, NM_001375320.1, NM_005211.4); c.1966A>G, p.Met656Val (NM_001375321.1); short protein forms M656V, M804V.
Identifiers: ClinVar variation 4801552 (VCV004801552.1).